The following is an entry in ClinVar:

NM_000257.4(MYH7):c.2012G>C (p.Arg671Pro)

Gene: MYH7 (myosin heavy chain 7; minus strand). Cytogenetic location: 14q11.2.
Variant type: single nucleotide variant.
Coding change: c.2012G>C on transcript NM_000257.4 (MANE Select); coding-DNA position 2012, G replaced by C.
Protein change: p.Arg671Pro; replaces arginine 671 with proline.
Molecular consequence: missense variant.
Genome position (GRCh38, 1-based): chr14:23,426,809, C>G on the plus strand (G>C on the coding strand, the complement: MYH7 is on the minus strand). VCF-style: chr14-23426809-C-G. GRCh37 (hg19) VCF-style: chr14-23896018-C-G.
Other names: short protein forms R671P.
Identifiers: ClinVar variation 1406156 (VCV001406156.8), dbSNP rs730880883, ClinGen allele CA389049325.

ClinVar aggregate classification (germline): Likely pathogenic (1 of 4 stars; one submission).

Conditions:
Hypertrophic cardiomyopathy. Also called: HYPERTROPHIC MYOCARDIOPATHY. Identifiers: Orphanet 217569, MedGen C0007194, MeSH D002312, MONDO:0005045, HP:0001639.

Submission:

Labcorp Genetics (formerly Invitae), Labcorp
Classification: Likely pathogenic for Hypertrophic cardiomyopathy. Last evaluated: 2022-11-29. Review status: criteria provided, single submitter. Criteria: Invitae Variant Classification Sherloc (09022015). Collection method: clinical testing. Allele origin: germline.
Comment: This variant is not present in population databases (gnomAD no frequency). This variant has not been reported in the literature in individuals affected with MYH7-related conditions. ClinVar contains an entry for this variant (Variation ID: 1406156). This sequence change replaces arginine, which is basic and polar, with proline, which is neutral and non-polar, at codon 671 of the MYH7 protein (p.Arg671Pro). Advanced modeling of protein sequence and biophysical properties (such as structural, functional, and spatial information, amino acid conservation, physicochemical variation, residue mobility, and thermodynamic stability) performed at Invitae indicates that this missense variant is expected to disrupt MYH7 protein function. This variant disrupts the p.Arg671 amino acid residue in MYH7. Other variant(s) that disrupt this residue have been determined to be pathogenic (PMID: 12707239, 12820698, 25132132; Invitae). This suggests that this residue is clinically significant, and that variants that disrupt this residue are likely to be disease-causing. In summary, the currently available evidence indicates that the variant is pathogenic, but additional data are needed to prove that conclusively. Therefore, this variant has been classified as Likely Pathogenic.

Literature cited by the submitters: PubMed 12707239; PubMed 12820698; PubMed 25132132.